The following is an entry in ClinVar:

NM_002225.5(IVD):c.835G>A (p.Gly279Arg)

Gene: IVD (isovaleryl-CoA dehydrogenase; plus strand). Cytogenetic location: 15q15.1.
Variant type: single nucleotide variant.
Coding change: c.835G>A on transcript NM_002225.5 (MANE Select); coding-DNA position 835, G replaced by A.
Protein change: p.Gly279Arg; replaces glycine 279 with arginine.
Molecular consequence: missense variant. On other transcripts: non-coding transcript variant (1).
Genome position (GRCh38, 1-based): chr15:40,414,939, G>A. VCF-style: chr15-40414939-G-A. GRCh37 (hg19) VCF-style: chr15-40707138-G-A.
Other names: c.745G>A, p.Gly249Arg (NM_001159508.3); c.787G>A, p.Gly263Arg (NM_001354597.3); c.835G>A, p.Gly279Arg (NM_001354598.3, NM_001354601.3); c.922G>A, p.Gly308Arg (NM_001354599.3, NM_001354600.3); short protein forms G263R, G249R, G279R, G308R.
Identifiers: ClinVar variation 3698058 (VCV003698058.2).

ClinVar aggregate classification (germline): Uncertain significance (1 of 4 stars; one submission).

Conditions:
Isovaleryl-CoA dehydrogenase deficiency (IVA). Also called: ISOVALERIC ACID CoA DEHYDROGENASE DEFICIENCY; Isovaleric acidemia; IVD DEFICIENCY; Classic Isovaleric Acidemia. Identifiers: Orphanet 33, MedGen C0268575, MONDO:0009475, OMIM 243500.

gnomAD v4.1: 2 of 1,614,164 alleles (0.00012%); highest among the groups gnomAD compares: Non-Finnish European, 0.00017%; no homozygotes.

Submission:

Labcorp Genetics (formerly Invitae), Labcorp
Classification: Uncertain significance for Isovaleryl-CoA dehydrogenase deficiency. Last evaluated: 2024-07-31. Review status: criteria provided, single submitter. Criteria: Invitae Variant Classification Sherloc (09022015). Collection method: clinical testing. Allele origin: germline.
Comment: This sequence change replaces glycine, which is neutral and non-polar, with arginine, which is basic and polar, at codon 282 of the IVD protein (p.Gly282Arg). This variant is not present in population databases (gnomAD no frequency). This missense change has been observed in individual(s) with IVD-related conditions (Invitae). In at least one individual the data is consistent with being in trans (on the opposite chromosome) from a pathogenic variant. An algorithm developed to predict the effect of missense changes on protein structure and function (PolyPhen-2) suggests that this variant is likely to be disruptive. In summary, the available evidence is currently insufficient to determine the role of this variant in disease. Therefore, it has been classified as a Variant of Uncertain Significance.